The following is an entry in ClinVar:

ClinVar aggregate classification (germline): Likely pathogenic (1 of 4 stars; one submission).

Conditions:
Intellectual disability-hypotonic facies syndrome, X-linked, 1 (MRXHF1). Also called: X-linked intellectual disability-hypotonic face syndrome; XLMR-HYPOTONIC FACIES SYNDROME; HOLMES-GANG SYNDROME; CHUDLEY-LOWRY SYNDROME; Chudley syndrome 1; Chudley-Lowry-Hoar syndrome. Identifiers: Orphanet 73220, Orphanet 93970, Orphanet 93971, Orphanet 93972, Orphanet 93973, Orphanet 93974, Orphanet 93975, MedGen C4759781, MONDO:0010663, OMIM 309580.

Submission:

Human Genetics Unit, University Of Colombo
Classification: Likely pathogenic for Intellectual disability-hypotonic facies syndrome, X-linked, 1. Last evaluated: 2019-11-06. Review status: criteria provided, single submitter. Criteria: ACMG Guidelines, 2015. Collection method: clinical testing. Allele origin: germline. Inheritance: X-linked recessive inheritance. Affected: yes. Observed: 1 hemizygote.
Comment: This mutation is not found in global population frequency databases or in our internal exome database. This variant is located in an area of the ATRX gene that is highly conserved in different species of animals during evolution and it causes a non-conservative substitution of amino acids. According to ACMG criteria (2015), this variant can be classified as likely pathogenic.

Literature cited by the submitters: DOI 10.1155/2019/2687595.

NM_000489.6(ATRX):c.839G>A (p.Cys280Tyr)

Gene: ATRX (ATRX chromatin remodeler; minus strand). Cytogenetic location: Xq21.1.
Variant type: single nucleotide variant.
Coding change: c.839G>A on transcript NM_000489.6 (MANE Select); coding-DNA position 839, G replaced by A.
Protein change: p.Cys280Tyr; replaces cysteine 280 with tyrosine.
Molecular consequence: missense variant.
Genome position (GRCh38, 1-based): chrX:77,684,417, C>T on the plus strand (G>A on the coding strand, the complement: ATRX is on the minus strand). VCF-style: chrX-77684417-C-T. GRCh37 (hg19) VCF-style: chrX-76939909-C-T.
Other names: c.725G>A, p.Cys242Tyr (NM_138270.5); short protein forms C242Y, C280Y.
Identifiers: ClinVar variation 976782 (VCV000976782.4), dbSNP rs2071439399, ClinGen allele CA413720534.